The following is an entry in ClinVar:

NM_000264.5(PTCH1):c.1136A>G (p.Tyr379Cys)

Gene: PTCH1 (patched 1; minus strand). Cytogenetic location: 9q22.32.
Variant type: single nucleotide variant.
Coding change: c.1136A>G on transcript NM_000264.5 (MANE Select); coding-DNA position 1136, A replaced by G.
Protein change: p.Tyr379Cys; replaces tyrosine 379 with cysteine.
Molecular consequence: missense variant. On other transcripts: non-coding transcript variant (1).
Genome position (GRCh38, 1-based): chr9:95,479,079, T>C on the plus strand (A>G on the coding strand, the complement: PTCH1 is on the minus strand). VCF-style: chr9-95479079-T-C. GRCh37 (hg19) VCF-style: chr9-98241361-T-C.
Other names: c.938A>G, p.Tyr313Cys (NM_001083602.3); c.1133A>G, p.Tyr378Cys (NM_001083603.3); c.683A>G, p.Tyr228Cys (NM_001083604.3, NM_001083605.3, NM_001083606.3 and 1 more transcripts); c.1136A>G, p.Tyr379Cys (NM_001354918.2); short protein forms Y313C, Y228C, Y378C, Y379C.
Identifiers: ClinVar variation 848679 (VCV000848679.11), dbSNP rs1841324703, ClinGen allele CA374119384.
Genomic context (GRCh38, chr9:95,479,079, plus strand): 5'-CAGGCCTCCAGGATGGCTGCCGCTTTGTCCTCGTTCCAGTTGATGTGTGAGACATACTCG[T>C]ACCCCTTGAAGTGCTCGTACATTTGCTTGGGAGTCATTAACTGGAACATGGTCTGCAGGG-3'
Protein context (NP_000255.2, residues 369-389): PKQMYEHFKG[Tyr379Cys]EYVSHINWNE

ClinVar aggregate classification (germline): Uncertain significance. Review status: criteria provided, multiple submitters, no conflicts (2 of 4 stars). 2 submissions from 2 submitters: Uncertain significance (2). Last evaluated 2025-05-22.

Conditions:
Hereditary cancer-predisposing syndrome. Also called: Neoplastic Syndromes, Hereditary; Hereditary Cancer Syndrome; Hereditary neoplastic syndrome; Tumor predisposition. Identifiers: Orphanet 140162, MedGen C0027672, MeSH D009386, MONDO:0015356.
Gorlin syndrome. Also called: Nevoid Basal Cell Carcinoma Syndrome; Basal cell nevus syndrome. Identifiers: Orphanet 377, MedGen C0004779, MONDO:0007187.

Allele frequency attached by ClinVar (database versions not stated): gnomAD exomes below 0.00001.
gnomAD v4.1: 1 of 1,614,214 alleles (0.000062%); highest among the groups gnomAD compares: Non-Finnish European, 0.000085%; no homozygotes.

Submissions (2):

Labcorp Genetics (formerly Invitae), Labcorp
Classification: Uncertain significance for Gorlin syndrome. Last evaluated: 2025-05-22. Review status: criteria provided, single submitter. Criteria: Invitae Variant Classification Sherloc (09022015). Collection method: clinical testing. Allele origin: germline.
Comment: This sequence change replaces tyrosine, which is neutral and polar, with cysteine, which is neutral and slightly polar, at codon 379 of the PTCH1 protein (p.Tyr379Cys). This variant is not present in population databases (gnomAD no frequency). This variant has not been reported in the literature in individuals affected with PTCH1-related conditions. ClinVar contains an entry for this variant (Variation ID: 848679). Invitae Evidence Modeling of protein sequence and biophysical properties (such as structural, functional, and spatial information, amino acid conservation, physicochemical variation, residue mobility, and thermodynamic stability) has been performed for this missense variant. However, the output from this modeling did not meet the statistical confidence thresholds required to predict the impact of this variant on PTCH1 protein function. In summary, the available evidence is currently insufficient to determine the role of this variant in disease. Therefore, it has been classified as a Variant of Uncertain Significance.

Ambry Genetics
Classification: Uncertain significance for Hereditary cancer-predisposing syndrome. Last evaluated: 2023-11-08. Review status: criteria provided, single submitter. Criteria: Ambry Variant Classification Scheme 2023. Collection method: clinical testing. Allele origin: germline.
Comment: The p.Y379C variant (also known as c.1136A>G), located in coding exon 8 of the PTCH1 gene, results from an A to G substitution at nucleotide position 1136. The tyrosine at codon 379 is replaced by cysteine, an amino acid with highly dissimilar properties. This amino acid position is conserved. In addition, this alteration is predicted to be deleterious by in silico analysis. Since supporting evidence is limited at this time, the clinical significance of this alteration remains unclear.